The following is an entry in ClinVar:

ClinVar aggregate classification (germline): Uncertain significance (1 of 4 stars; one submission).

Allele frequency attached by ClinVar (database versions not stated): TOPMed below 0.00001.

Submission:

Labcorp Genetics (formerly Invitae), Labcorp
Classification: Uncertain significance. Last evaluated: 2022-08-21. Review status: criteria provided, single submitter. Criteria: Invitae Variant Classification Sherloc (09022015). Collection method: clinical testing. Allele origin: germline.
Comment: This sequence change replaces methionine, which is neutral and non-polar, with threonine, which is neutral and polar, at codon 1977 of the KAT6A protein (p.Met1977Thr). This variant is present in population databases (no rsID available, gnomAD 0.002%). This variant has not been reported in the literature in individuals affected with KAT6A-related conditions. Algorithms developed to predict the effect of missense changes on protein structure and function are either unavailable or do not agree on the potential impact of this missense change (SIFT: "Tolerated"; PolyPhen-2: "Not Available"; Align-GVGD: "Class C0"). In summary, the available evidence is currently insufficient to determine the role of this variant in disease. Therefore, it has been classified as a Variant of Uncertain Significance.

NM_006766.5(KAT6A):c.5930T>C (p.Met1977Thr)

Gene: KAT6A (lysine acetyltransferase 6A; minus strand). Cytogenetic location: 8p11.21.
Variant type: single nucleotide variant.
Coding change: c.5930T>C on transcript NM_006766.5 (MANE Select); coding-DNA position 5930, T replaced by C.
Protein change: p.Met1977Thr; replaces methionine 1977 with threonine.
Molecular consequence: missense variant.
Genome position (GRCh38, 1-based): chr8:41,932,290, A>G on the plus strand (T>C on the coding strand, the complement: KAT6A is on the minus strand). VCF-style: chr8-41932290-A-G. GRCh37 (hg19) VCF-style: chr8-41789808-A-G.
Other names: short protein forms M1977T.
Identifiers: ClinVar variation 1927779 (VCV001927779.5), dbSNP rs1436667017, ClinGen allele CA371059999.